The following is an entry in ClinVar:

ClinVar aggregate classification (germline): Uncertain significance (1 of 4 stars; one submission).

Conditions:
EGFR-related lung cancer (EGFR). Identifiers: MedGen CN130014.

Allele frequency attached by ClinVar (database versions not stated): TOPMed below 0.00001; gnomAD 0.00001.
gnomAD v4.1: 1 of 1,613,796 alleles (0.000062%); highest among the groups gnomAD compares: Non-Finnish European, 0.000085%; no homozygotes.

Submission:

Labcorp Genetics (formerly Invitae), Labcorp
Classification: Uncertain significance for EGFR-related lung cancer. Last evaluated: 2025-06-02. Review status: criteria provided, single submitter. Criteria: Invitae Variant Classification Sherloc (09022015). Collection method: clinical testing. Allele origin: germline.
Comment: This sequence change replaces tyrosine, which is neutral and polar, with histidine, which is basic and polar, at codon 827 of the EGFR protein (p.Tyr827His). This variant is not present in population databases (gnomAD no frequency). This variant has not been reported in the literature in individuals affected with EGFR-related conditions. ClinVar contains an entry for this variant (Variation ID: 2731659). Invitae Evidence Modeling of protein sequence and biophysical properties (such as structural, functional, and spatial information, amino acid conservation, physicochemical variation, residue mobility, and thermodynamic stability) indicates that this missense variant is expected to disrupt EGFR protein function with a positive predictive value of 80%. In summary, the available evidence is currently insufficient to determine the role of this variant in disease. Therefore, it has been classified as a Variant of Uncertain Significance.

NM_005228.5(EGFR):c.2479T>C (p.Tyr827His)

Gene: EGFR (epidermal growth factor receptor; plus strand). Cytogenetic location: 7p11.2.
Variant type: single nucleotide variant.
Coding change: c.2479T>C on transcript NM_005228.5 (MANE Select); coding-DNA position 2479, T replaced by C.
Protein change: p.Tyr827His; replaces tyrosine 827 with histidine.
Molecular consequence: missense variant.
Genome position (GRCh38, 1-based): chr7:55,191,728, T>C. VCF-style: chr7-55191728-T-C. GRCh37 (hg19) VCF-style: chr7-55259421-T-C.
Other names: c.2344T>C, p.Tyr782His (NM_001346897.2, NM_001346899.2); c.2479T>C, p.Tyr827His (NM_001346898.2); c.2320T>C, p.Tyr774His (NM_001346900.2); c.1678T>C, p.Tyr560His (NM_001346941.2); short protein forms Y782H, Y560H, Y774H, Y827H.
Identifiers: ClinVar variation 2731659 (VCV002731659.3), dbSNP rs1256743514, ClinGen allele CA367580083.